The following is an entry in ClinVar:

ClinVar aggregate classification (germline): Pathogenic/Likely pathogenic. Review status: criteria provided, multiple submitters, no conflicts (2 of 4 stars). 26 submissions from 26 submitters: Pathogenic (15); Likely pathogenic (5). 6 of the submissions do not count toward it. Last evaluated 2026-05-11.

Conditions:
MYL2-related disorder. Also called: MYL2-related condition; MYL2-related disease; MYL2-related disorders.
Cardiovascular phenotype. Identifiers: MedGen CN230736.
Cardiomyopathy (CMYO). Also called: Cardiomyopathies. Identifiers: Orphanet 167848, MedGen C0878544, MONDO:0004994, HP:0001638. Inheritance: Various modes of inheritance.
Hypertrophic cardiomyopathy 10. Also called: MYL2-Related Familial Hypertrophic Cardiomyopathy; CARDIOMYOPATHY, HYPERTROPHIC, MID-LEFT VENTRICULAR CHAMBER TYPE, 2. Identifiers: MedGen C1834460, MONDO:0012112, OMIM 608758.
Primary familial hypertrophic cardiomyopathy (HCM). Identifiers: Orphanet 99739, MedGen C0949658, MeSH D024741, MONDO:0024573. Inheritance: Various modes of inheritance.
Death in early adulthood. Identifiers: MedGen C4022012, HP:0100613.
Hypertrophic cardiomyopathy. Also called: HYPERTROPHIC MYOCARDIOPATHY. Identifiers: Orphanet 217569, MedGen C0007194, MeSH D002312, MONDO:0005045, HP:0001639.

Allele frequency attached by ClinVar (database versions not stated): 1000 Genomes Project 30x 0.00016; 1000 Genomes Project 0.00020.
gnomAD v4.1: 34 of 1,613,932 alleles (0.0021%); highest among the groups gnomAD compares: Admixed American, 0.005%; no homozygotes.

Submissions 1 to 6 of 26:

Women's Health and Genetics/Laboratory Corporation of America, LabCorp
Classification: Pathogenic for Primary familial hypertrophic cardiomyopathy. Last evaluated: 2026-05-11. Review status: criteria provided, single submitter. Criteria: LabCorp Variant Classification Summary - May 2015. Collection method: clinical testing. Allele origin: germline.
Comment: Variant summary: MYL2 c.64G>A (p.Glu22Lys) results in a conservative amino acid change in the encoded protein sequence. Algorithms developed to predict the effect of missense changes on protein structure and function are either unavailable or do not agree on the potential impact of this missense change. The variant allele was found at a frequency of 2e-05 in 251472 control chromosomes (gnomAD). c.64G>A has been observed in multiple individuals affected with Hypertrophic Cardiomyopathy with evidence of segregation with disease (e.g. Poetter_1996, Kabeva_2002). These data indicate that the variant is very likely to be associated with disease. The following publications have been ascertained in the context of this evaluation (PMID: 12404107, 8673105). ClinVar contains an entry for this variant (Variation ID: 14065). Based on the evidence outlined above, the variant was classified as pathogenic.

Labcorp Genetics (formerly Invitae), Labcorp
Classification: Pathogenic for Hypertrophic cardiomyopathy 10. Last evaluated: 2025-12-29. Review status: criteria provided, single submitter. Criteria: Invitae Variant Classification Sherloc (09022015). Collection method: clinical testing. Allele origin: germline.
Comment: This sequence change replaces glutamic acid, which is acidic and polar, with lysine, which is basic and polar, at codon 22 of the MYL2 protein (p.Glu22Lys). This variant is present in population databases (rs104894368, gnomAD 0.006%). This missense change has been observed in individual(s) with autosomal dominant hypertrophic cardiomyopathy (PMID: 8673105, 12404107, 26497160, 27532257). It has also been observed to segregate with disease in related individuals. ClinVar contains an entry for this variant (Variation ID: 14065). An algorithm developed to predict the effect of missense changes on protein structure and function (PolyPhen-2) suggests that this variant is likely to be disruptive. Experimental studies have shown that this missense change affects MYL2 function (PMID: 12668451, 14594949, 16076902, 17606808, 25324513, 26497160). For these reasons, this variant has been classified as Pathogenic.

Variantyx, Inc.
Classification: Likely pathogenic for Hypertrophic cardiomyopathy 10. Last evaluated: 2025-12-02. Review status: criteria provided, single submitter. Criteria: Variantyx Assertion Criteria 2022. Collection method: clinical testing. Allele origin: germline. Inheritance: Autosomal dominant inheritance. Affected: yes.
Comment: This is a nonsynonymous variant in the MYL2 gene (OMIM: 160781). Pathogenic variants in this gene have been associated with autosomal dominant hypertrophic cardiomyopathy 10 . The frequency of this variant in affected individuals is significantly increased compared to controls (PMID: 12404107) (PS4) and it has been observed to segregate with disease in at least six individuals from two families (PMID: 8673105, 12404107) (PP1). Functional studies have shown that this variant alters MYL2 protein function (PMID: 12668451, 11102452, 17606808, 14594949, 10948063, 9724616) (PS3_Moderate) and multiple computational algorithms predict a deleterious effect for this variant (REVEL score: 0.714) (PP3). This variant has a 0.0050% maximum allele frequency in non-founder control populations. Based on the current evidence, this variant is classified as likely pathogenic for autosomal dominant hypertrophic cardiomyopathy 10 .

Dasa
Classification: Pathogenic. Last evaluated: 2025-10-30. Review status: criteria provided, single submitter. Criteria: DASA Assertion Criteria. Collection method: clinical testing. Allele origin: germline.
Comment: NM_000432.4(MYL2):c.64G>A (p.Glu22Lys) is a missense variant that results in the substitution of glutamic acid with lysine. Segregation evidence has been reported in affected families. Functional evidence supports a deleterious effect on the gene or gene product (PMID: 10948063; PMID: 11102452; PMID: 12668451; PMID: 16751284; PMID: 8673105). This variant has been recurrently observed in individuals with related phenotype (PMID: 10948063; PMID: 11102452; PMID: 12668451; PMID: 16751284; PMID: 8673105). Multiple computational predictions support a deleterious effect on the gene or gene product. The variant is present at low frequency in population datasets. Based on the available data, this variant is classified as pathogenic.

Ambry Genetics
Classification: Likely pathogenic for Cardiovascular phenotype. Last evaluated: 2025-10-29. Review status: criteria provided, single submitter. Criteria: Ambry Variant Classification Scheme 2023. Collection method: clinical testing. Allele origin: germline.
Comment: The p.E22K variant (also known as c.64G>A), located in coding exon 2 of the MYL2 gene, results from a G to A substitution at nucleotide position 64. The glutamic acid at codon 22 is replaced by lysine, an amino acid with similar properties. This variant was identified in one or more individuals with features consistent with hypertrophic cardiomyopathy (HCM) and segregated with disease in at least one family (Poetter K et al. Nat. Genet., 1996 May;13:63-9; Kabaeva ZT et al. Eur. J. Hum. Genet., 2002 Nov;10:741-8; Lopes LR et al. Heart, 2015 Feb;101:294-301; Alejandra Restrepo-Cordoba M et al. J Cardiovasc Transl Res, 2017 Feb;10:35-46; Walsh R et al. Genet. Med., 2017 02;19:192-203). This variant is a founder mutation with shared haplotype in the Netherlands; however, the presence of this allele in unaffected relatives and the existence of additional risk factors in many of the affected carriers suggests this allele exhibits reduced penetrance and may not cause disease on its own (Claes GR et al. Eur. Heart J., 2016 06;37:1815-22). Multiple in vitro functional studies suggest this alteration may impact protein function, but adult transgenic mice expressing E22K do not exhibit detectable cardiac hypertrophy (Sanbe A et al. Circ. Res., 2000 Aug;87:296-302; Roopnarine O. Biophys. J., 2003 Apr;84:2440-9; Szczesna-Cordary D et al. J. Cell. Sci., 2005 Aug;118:3675-83; Farman GP et al. J. Appl. Physiol., 2014 Dec;117:1471-7). This amino acid position is highly conserved in available vertebrate species. In addition, this alteration is predicted to be deleterious by in silico analysis. Based on the majority of available evidence to date, this variant is likely to be pathogenic for autosomal dominant MYL2-related cardiomyopathy; however, it may represent a risk factor or a milder allele that presents with incomplete penetrance; and its clinical significance for autosomal recessive MYL2-related myofibrillar myopathy with cardiomyopathy is uncertain.

PreventionGenetics, part of Exact Sciences
Classification: Pathogenic for MYL2-related condition. Last evaluated: 2025-05-12. Review status: criteria provided, single submitter. Criteria: ACMG Guidelines, 2015. Collection method: clinical testing. Allele origin: germline.
Comment: The MYL2 c.64G>A variant is predicted to result in the amino acid substitution p.Glu22Lys. This variant was reported in multiple individuals with hypertrophic cardiomyopathy (Poetter et al. 1996. PubMed ID: 8673105; Supplementary Table 1, Robyns et al. 2020. PubMed ID: 31513939; Table S1B, Walsh et al. 2017. PubMed ID: 27532257). Multiple functional studies suggest this variant alters protein function (Zhang et al. 2021. PubMed ID: 33548158; Szczesna-Cordary et al. 2007. PubMed ID: 17606808). This variant is reported in 0.0058% of alleles in individuals of Latino descent in gnomAD and is interpreted as pathogenic/likely pathogenic in ClinVar. This variant is interpreted as pathogenic.

NM_000432.4(MYL2):c.64G>A (p.Glu22Lys)

Genes: MYL2 (myosin light chain 2; minus strand), LOC114827850 (VISTA enhancer hs2149; plus strand). Cytogenetic location: 12q24.11.
Variant type: single nucleotide variant.
Coding change: c.64G>A on transcript NM_000432.4 (MANE Select); coding-DNA position 64, G replaced by A.
Protein change: p.Glu22Lys; replaces glutamic acid 22 with lysine.
Molecular consequence: missense variant.
Genome position (GRCh38, 1-based): chr12:110,919,133, C>T on the plus strand (G>A on the coding strand, the complement: MYL2 is on the minus strand). VCF-style: chr12-110919133-C-T. GRCh37 (hg19) VCF-style: chr12-111356937-C-T.
Other names: p.E22K:GAA>AAA; short protein forms E22K.
Identifiers: ClinVar variation 14065 (VCV000014065.75), dbSNP rs104894368, ClinGen allele CA010513.
Genomic context (GRCh38, chr12:110,919,133, plus strand): 5'-TCCAGGCGGATGATTCAATAGCTGCACCCACCTCCTTAAATTCCTGGATTTGGGTCTGTT[C>T]GAACATGGAGAACACGTTGGAGTTGGCGCCCCCGGCTCTCTTCTTTGCTTTCTTAGGTGC-3'
Protein context (NP_000423.2, residues 12-32): GANSNVFSMF[Glu22Lys]QTQIQEFKEA